The following is an entry in ClinVar:

ClinVar aggregate classification (germline): Uncertain significance (1 of 4 stars; one submission).

Conditions:
Chédiak-Higashi syndrome (CHS). Also called: Chediak-Higashi Syndrome. Identifiers: Orphanet 167, MedGen C0007965, MONDO:0008963, OMIM 214500.

gnomAD v4.1: 1 of 1,603,234 alleles (0.000062%); highest among the groups gnomAD compares: Non-Finnish European, 0.000085%; no homozygotes.

Submission:

Labcorp Genetics (formerly Invitae), Labcorp
Classification: Uncertain significance for Chédiak-Higashi syndrome. Last evaluated: 2026-02-01. Review status: criteria provided, single submitter. Criteria: Invitae Variant Classification Sherloc (09022015). Collection method: clinical testing. Allele origin: germline.
Comment: This sequence change replaces isoleucine, which is neutral and non-polar, with valine, which is neutral and non-polar, at codon 2488 of the LYST protein (p.Ile2488Val). This variant is not present in population databases (gnomAD no frequency). This variant has not been reported in the literature in individuals affected with LYST-related conditions. An algorithm developed to predict the effect of missense changes on protein structure and function outputs the following: PolyPhen-2: "Benign". The valine amino acid residue is found in multiple mammalian species, which suggests that this missense change does not adversely affect protein function. In summary, the available evidence is currently insufficient to determine the role of this variant in disease. Therefore, it has been classified as a Variant of Uncertain Significance.

NM_000081.4(LYST):c.7462A>G (p.Ile2488Val)

Gene: LYST (lysosomal trafficking regulator; minus strand). Cytogenetic location: 1q42.3.
Variant type: single nucleotide variant.
Coding change: c.7462A>G on transcript NM_000081.4 (MANE Select); coding-DNA position 7462, A replaced by G.
Protein change: p.Ile2488Val; replaces isoleucine 2488 with valine.
Molecular consequence: missense variant.
Genome position (GRCh38, 1-based): chr1:235,752,170, T>C on the plus strand (A>G on the coding strand, the complement: LYST is on the minus strand). VCF-style: chr1-235752170-T-C. GRCh37 (hg19) VCF-style: chr1-235915470-T-C.
Other names: c.7462A>G, p.Ile2488Val (NM_001301365.1); short protein forms I2488V.
Identifiers: ClinVar variation 4736164 (VCV004736164.1).